The following is an entry in ClinVar:

ClinVar aggregate classification (germline): Benign/Likely benign. Review status: criteria provided, multiple submitters, no conflicts (2 of 4 stars). 2 submissions from 2 submitters: Benign (1); Likely benign (1). Last evaluated 2025-05-29.

Conditions:
Tuberous sclerosis 2 (TSC2). Identifiers: Orphanet 805, MedGen C1860707, MONDO:0013199, OMIM 613254.

Allele frequency attached by ClinVar (database versions not stated): gnomAD exomes below 0.00001.
gnomAD v4.1: 1 of 1,595,082 alleles (0.000063%); highest among the groups gnomAD compares: African/African-American, 0.0013%; no homozygotes.

Submissions (2):

Myriad Genetics, Inc.
Classification: Benign for Tuberous sclerosis 2. Last evaluated: 2025-05-29. Review status: criteria provided, single submitter. Criteria: Myriad Autosomal Dominant, Autosomal Recessive and X-Linked Classification Criteria (2023). Collection method: clinical testing. Allele origin: unknown.
Comment: This variant is considered benign. This variant is a silent/synonymous amino acid change and it is not expected to impact splicing.

Labcorp Genetics (formerly Invitae), Labcorp
Classification: Likely benign for Tuberous sclerosis 2. Last evaluated: 2022-03-12. Review status: criteria provided, single submitter. Criteria: Invitae Variant Classification Sherloc (09022015). Collection method: clinical testing. Allele origin: germline.

NM_000548.5(TSC2):c.3387T>C (p.Arg1129=)

Gene: TSC2 (TSC complex subunit 2; plus strand). Cytogenetic location: 16p13.3.
Variant type: single nucleotide variant.
Coding change: c.3387T>C on transcript NM_000548.5 (MANE Select); coding-DNA position 3387, T replaced by C.
Protein change: p.Arg1129=; no amino-acid change (arginine 1129 retained).
Molecular consequence: synonymous variant. On other transcripts: non-coding transcript variant (5).
Genome position (GRCh38, 1-based): chr16:2,079,659, T>C. VCF-style: chr16-2079659-T-C. GRCh37 (hg19) VCF-style: chr16-2129660-T-C.
Other names: c.3255T>C, p.Arg1085= (NM_001077183.3, NM_001370404.1, NM_001406665.1); c.3387T>C, p.Arg1129= (NM_001114382.3); c.3147T>C, p.Arg1049= (NM_001318827.2); c.3111T>C, p.Arg1037= (NM_001318829.2); c.2655T>C, p.Arg885= (NM_001318831.2, NM_001406687.1, NM_001406688.1); c.3288T>C, p.Arg1096= (NM_001318832.2); c.3258T>C, p.Arg1086= (NM_001363528.2, NM_001370405.1, NM_021055.3); c.3384T>C, p.Arg1128= (NM_001406663.1, NM_001406664.1); and 18 more.
Identifiers: ClinVar variation 2109919 (VCV002109919.5), dbSNP rs2544071369, ClinGen allele CA492955322.
Genomic context (GRCh38, chr16:2,079,659, plus strand): 5'-GGCCAAGCTGGAGTCCCAGGCTGGGCAGCAGGTGTCCCGTGGGGCCCGGGATCGGGTCCG[T>C]TCCATGTCGGGTGAGCCTTGGCCCCAGCCACCTCCACACAGGCACCGGGGCTCCCTCAGT-3'
Protein context (NP_000539.2, residues 1119-1139): QVSRGARDRV[Arg1129=]SMSGGHGLRV